The following is an entry in ClinVar:

ClinVar aggregate classification (germline): Uncertain significance. Review status: reviewed by expert panel (3 of 4 stars). 2 submissions from 2 submitters: Uncertain significance (1). 1 of the submissions does not count toward it. Last evaluated 2023-10-23.

Conditions:
Mitochondrial disease. Also called: Mitochondrial disorder; Mitochondrial disorders. Identifiers: Orphanet 68380, MedGen C0751651, MeSH D028361, MONDO:0044970.
Familial colorectal cancer. Identifiers: MedGen CN280943, MONDO:0023113. Disease mechanism: loss of function.

Submissions (2):

ClinGen Mitochondrial Disease Nuclear and Mitochondrial  Variant Curation Expert Panel, ClinGen
Classification: Uncertain significance for Mitochondrial disease. Last evaluated: 2023-10-23. Review status: reviewed by expert panel. Criteria: clingen mito disease acmg specifications v1-1. Collection method: curation. Allele origin: germline. Inheritance: Mitochondrial inheritance.
Comment: The m.10563T>C (p.C32R) variant in MT-ND4L has not been reported in individuals with primary mitochondrial disease to our knowledge. The computational predictors APOGEE1 and APOGEE2 produce conflicting evidence regarding the predicted functional impact of this variant with raw scores of 0.42 (neutral) and 0.840 (likely pathogenic), respectively (Min=0, Max=1). This variant is absent in the GenBank dataset, Helix dataset, and gnomAD v3.1.2 (PM2_supporting). In summary, this variant meets criteria to be classified as uncertain significance for primary mitochondrial disease inherited in a mitochondrial manner. This classification was approved by the NICHD/NINDS U24 ClinGen Mitochondrial Disease Variant Curation Expert Panel on October 23, 2023. Mitochondrial DNA-specific ACMG/AMP criteria applied (PMID: 32906214): PM2_supporting.

OMIM
Classification: Pathogenic for COLORECTAL CANCER. Last evaluated: 1998-11-01. Review status: no assertion criteria provided. Collection method: literature only. Allele origin: germline. Not counted in ClinVar's aggregate classification.

Literature cited by the submitters: PubMed 13298683 (cited by OMIM); PubMed 9806551 (cited by OMIM).

NC_012920.1(MT-ND4L):m.10563T>C

Gene: MT-ND4L (mitochondrially encoded NADH dehydrogenase 4L; plus strand).
Variant type: single nucleotide variant.
Genome position: chrM-10563-T-C.
Other names: C32R.
Identifiers: ClinVar variation 9706 (VCV000009706.2), dbSNP rs267606892, ClinGen allele CA250589.